The following is an entry in ClinVar:

NM_006070.6(TFG):c.852A>C (p.Gln284His)

Gene: TFG (trafficking from ER to golgi regulator; plus strand). Cytogenetic location: 3q12.2.
Variant type: single nucleotide variant.
Coding change: c.852A>C on transcript NM_006070.6 (MANE Select); coding-DNA position 852, A replaced by C.
Protein change: p.Gln284His; replaces glutamine 284 with histidine.
Molecular consequence: missense variant.
Genome position (GRCh38, 1-based): chr3:100,748,180, A>C. VCF-style: chr3-100748180-A-C. GRCh37 (hg19) VCF-style: chr3-100467024-A-C.
Other names: c.852A>C, p.Gln284His (NM_001007565.2, NM_001195478.2); c.840A>C, p.Gln280His (NM_001195479.2); short protein forms Q284H, Q280H.
Identifiers: ClinVar variation 569604 (VCV000569604.10), dbSNP rs1559726965, ClinGen allele CA353852630.

ClinVar aggregate classification (germline): Uncertain significance (1 of 4 stars; one submission).

Conditions:
Hereditary motor and sensory neuropathy, Okinawa type (HMSNO). Also called: HEREDITARY MOTOR AND SENSORY NEUROPATHY, PROXIMAL TYPE. Identifiers: Orphanet 90117, MedGen C1858338, MONDO:0011468, OMIM 604484.
Hereditary spastic paraplegia 57. Also called: Spastic paraplegia 57, autosomal recessive. Identifiers: Orphanet 431329, MedGen C3714897, MONDO:0014295, OMIM 615658.

Allele frequency attached by ClinVar (database versions not stated): TOPMed below 0.00001; gnomAD 0.00001.
gnomAD v4.1: 2 of 1,613,876 alleles (0.00012%); highest among the groups gnomAD compares: Non-Finnish European, 0.00017%; no homozygotes.

Submission:

Labcorp Genetics (formerly Invitae), Labcorp
Classification: Uncertain significance for Hereditary motor and sensory neuropathy, Okinawa type; Hereditary spastic paraplegia 57. Last evaluated: 2023-10-18. Review status: criteria provided, single submitter. Criteria: Invitae Variant Classification Sherloc (09022015). Collection method: clinical testing. Allele origin: germline.
Comment: This sequence change replaces glutamine, which is neutral and polar, with histidine, which is basic and polar, at codon 284 of the TFG protein (p.Gln284His). This variant is not present in population databases (gnomAD no frequency). This variant has not been reported in the literature in individuals affected with TFG-related conditions. ClinVar contains an entry for this variant (Variation ID: 569604). Advanced modeling of protein sequence and biophysical properties (such as structural, functional, and spatial information, amino acid conservation, physicochemical variation, residue mobility, and thermodynamic stability) performed at Invitae indicates that this missense variant is not expected to disrupt TFG protein function. In summary, the available evidence is currently insufficient to determine the role of this variant in disease. Therefore, it has been classified as a Variant of Uncertain Significance.